The following is an entry in ClinVar:

NM_138477.4(CDAN1):c.2557dup (p.Ala853fs)

Gene: CDAN1 (codanin 1; minus strand). Cytogenetic location: 15q15.2.
Variant type: Duplication.
Coding change: c.2557dup on transcript NM_138477.4 (MANE Select); coding-DNA position 2557, one base duplicated (G; older notation c.2557dupG).
Protein change: p.Ala853fs; shifts the reading frame from alanine 853.
Molecular consequence: frameshift variant.
Genome position (GRCh38, 1-based): chr15:42,729,111, C duplicated on the plus strand (G on the coding strand, the reverse complement: CDAN1 is on the minus strand); the first of 2 consecutive C bases (chr15:42,729,111-42,729,112); duplicating either gives the same sequence. VCF-style (leftmost placement, unchanged base first): chr15-42729110-G-GC. GRCh37 (hg19) VCF-style: chr15-43021308-G-GC.
Other names: short protein forms A853fs.
Identifiers: ClinVar variation 2118494 (VCV002118494.4), dbSNP rs2506088522, ClinGen allele CA2575698382.
Genomic context (GRCh38, chr15:42,729,110, plus strand): 5'-ATTCTTTCTGCCACGAACTCTACGGTCCGGCGCAAGGAGGGCGGCTGGTTGTGGAAAAAG[G>GC]CCTGGGCGAGCTGTGCCTGGGGGGAGGAGGGAGAGGCAGCAAGGCTTCCTCCAGCCTCCC-3'

ClinVar aggregate classification (germline): Pathogenic (1 of 4 stars; one submission).

Submission:

Labcorp Genetics (formerly Invitae), Labcorp
Classification: Pathogenic. Last evaluated: 2022-03-27. Review status: criteria provided, single submitter. Criteria: Invitae Variant Classification Sherloc (09022015). Collection method: clinical testing. Allele origin: germline.
Comment: For these reasons, this variant has been classified as Pathogenic. Algorithms developed to predict the effect of sequence changes on RNA splicing suggest that this variant may disrupt the consensus splice site. This variant has not been reported in the literature in individuals affected with CDAN1-related conditions. This variant is not present in population databases (gnomAD no frequency). This sequence change creates a premature translational stop signal (p.Ala853Glyfs*151) in the CDAN1 gene. It is expected to result in an absent or disrupted protein product. Loss-of-function variants in CDAN1 are known to be pathogenic (PMID: 16098079, 16141353).

Literature cited by the submitters: PubMed 16098079; PubMed 16141353.